The following is an entry in ClinVar:

ClinVar aggregate classification (germline): Uncertain significance (1 of 4 stars; one submission).

gnomAD v4.1: 2 of 1,477,272 alleles (0.00014%); highest among the groups gnomAD compares: Non-Finnish European, 0.00018%; no homozygotes.

Submission:

Labcorp Genetics (formerly Invitae), Labcorp
Classification: Uncertain significance. Last evaluated: 2021-06-11. Review status: criteria provided, single submitter. Criteria: Invitae Variant Classification Sherloc (09022015). Collection method: clinical testing. Allele origin: germline.
Comment: This variant has not been reported in the literature in individuals with PPCS-related conditions. Experimental studies and prediction algorithms are not available or were not evaluated, and the functional significance of this variant is currently unknown. In summary, the available evidence is currently insufficient to determine the role of this variant in disease. Therefore, it has been classified as a Variant of Uncertain Significance. This sequence change affects the initiator methionine of the PPCS mRNA. The next in-frame methionine is located at codon 4. The frequency data for this variant in the population databases is considered unreliable, as metrics indicate insufficient coverage at this position in the ExAC database.

NM_024664.4(PPCS):c.3G>A (p.Met1Ile)

Genes: CCDC30 (coiled-coil domain containing 30; plus strand), PPCS (phosphopantothenoylcysteine synthetase; plus strand). Cytogenetic location: 1p34.2.
Variant type: single nucleotide variant.
Coding change: c.3G>A on transcript NM_024664.4 (MANE Select); coding-DNA position 3, G replaced by A.
Protein change: p.Met1Ile; changes the start codon (methionine 1).
Molecular consequence: missense variant, initiator codon variant. On other transcripts: 5 prime UTR variant (4), intron variant (3).
Genome position (GRCh38, 1-based): chr1:42,456,568, G>A. VCF-style: chr1-42456568-G-A. GRCh37 (hg19) VCF-style: chr1-42922239-G-A.
Other names: c.-72G>A (NM_001077447.3); c.-168G>A (NM_001287508.2); c.-27G>A (NM_001287509.2); c.-690G>A (NM_001287510.2); c.3G>A, p.Met1Ile (NM_001287511.2); c.-984+69G>A (NM_001355226.2); c.-328+69G>A (NM_001287507.1); c.-12+69G>A (NM_001287506.1); short protein forms M1I.
Identifiers: ClinVar variation 1488001 (VCV001488001.9), dbSNP rs2148414675, ClinGen allele CA339943465.
Genomic context (GRCh38, chr1:42,456,568, plus strand): 5'-GAAGGGGCGTGGCGCGGCGGCCGCGAAACGTGCGCAGGCGCCGGCCGCTGCGCTGCAGAT[G>A]GCGGAAATGGATCCGGTAGCCGAGTTCCCCCAGCCTCCCGGTGCTGCGCGCTGGGCTGAG-3'
Protein context (NP_078940.2, residues 1-11): [Met1Ile]AEMDPVAEFP